The following is an entry in ClinVar:

ClinVar aggregate classification (germline): Uncertain significance. Review status: criteria provided, multiple submitters, no conflicts (2 of 4 stars). 3 submissions from 3 submitters: Uncertain significance (2). 1 of the submissions does not count toward it. Last evaluated 2022-05-22.

Conditions:
Mitochondrial trifunctional protein deficiency. Identifiers: Orphanet 746, MedGen C1969443, MONDO:0012172.
Long chain 3-hydroxyacyl-CoA dehydrogenase deficiency. Also called: Deficiency of long-chain 3-hydroxyacyl-coenzyme A dehydrogenase; LCHAD Deficiency. Identifiers: Orphanet 5, MedGen C3711645, MONDO:0012173, OMIM 609016.

Allele frequency attached by ClinVar (database versions not stated): gnomAD 0.00001; gnomAD exomes 0.00001; TOPMed 0.00001.
gnomAD v4.1: 9 of 1,614,042 alleles (0.00056%); highest among the groups gnomAD compares: Non-Finnish European, 0.00076%; no homozygotes.

Submissions (3):

Labcorp Genetics (formerly Invitae), Labcorp
Classification: Uncertain significance for Mitochondrial trifunctional protein deficiency; Long chain 3-hydroxyacyl-CoA dehydrogenase deficiency. Last evaluated: 2022-05-22. Review status: criteria provided, single submitter. Criteria: Invitae Variant Classification Sherloc (09022015). Collection method: clinical testing. Allele origin: germline.
Comment: This sequence change replaces aspartic acid, which is acidic and polar, with glutamic acid, which is acidic and polar, at codon 731 of the HADHA protein (p.Asp731Glu). This variant is not present in population databases (gnomAD no frequency). This variant has not been reported in the literature in individuals affected with HADHA-related conditions. ClinVar contains an entry for this variant (Variation ID: 1212995). Advanced modeling of protein sequence and biophysical properties (such as structural, functional, and spatial information, amino acid conservation, physicochemical variation, residue mobility, and thermodynamic stability) performed at Invitae indicates that this missense variant is not expected to disrupt HADHA protein function. In summary, the available evidence is currently insufficient to determine the role of this variant in disease. Therefore, it has been classified as a Variant of Uncertain Significance.

GeneDx
Classification: Uncertain significance. Last evaluated: 2019-07-18. Review status: criteria provided, single submitter. Criteria: GeneDx Variant Classification Process June 2021. Collection method: clinical testing. Allele origin: germline. Affected: yes.
Comment: Not observed in large population cohorts (Lek et al., 2016); In silico analysis, which includes protein predictors and evolutionary conservation, supports that this variant does not alter protein structure/function; Has not been previously published as pathogenic or benign to our knowledge

Natera, Inc.
Classification: Uncertain significance for Deficiency of long-chain 3-hydroxyacyl-coenzyme A dehydrogenase. Last evaluated: 2020-05-28. Review status: no assertion criteria provided. Collection method: clinical testing. Allele origin: germline. Not counted in ClinVar's aggregate classification.

NM_000182.5(HADHA):c.2193C>A (p.Asp731Glu)

Genes: GAREM2 (GRB2 associated regulator of MAPK1 subtype 2; plus strand), HADHA (hydroxyacyl-CoA dehydrogenase trifunctional multienzyme complex subunit alpha; minus strand). Cytogenetic location: 2p23.3.
Variant type: single nucleotide variant.
Coding change: c.2193C>A on transcript NM_000182.5 (MANE Select); coding-DNA position 2193, C replaced by A.
Protein change: p.Asp731Glu; replaces aspartic acid 731 with glutamic acid.
Molecular consequence: missense variant.
Genome position (GRCh38, 1-based): chr2:26,191,349, G>T on the plus strand (C>A on the coding strand, the complement: HADHA is on the minus strand). VCF-style: chr2-26191349-G-T. GRCh37 (hg19) VCF-style: chr2-26414218-G-T.
Other names: short protein forms D731E.
Identifiers: ClinVar variation 1212995 (VCV001212995.6), dbSNP rs1348209738, ClinGen allele CA346111675.